The following is an entry in ClinVar:

NM_001939.3(DRP2):c.2812C>T (p.Arg938Cys)

Gene: DRP2 (dystrophin related protein 2; plus strand). Cytogenetic location: Xq22.1.
Variant type: single nucleotide variant.
Coding change: c.2812C>T on transcript NM_001939.3 (MANE Select); coding-DNA position 2812, C replaced by T.
Protein change: p.Arg938Cys; replaces arginine 938 with cysteine.
Molecular consequence: missense variant.
Genome position (GRCh38, 1-based): chrX:101,260,559, C>T. VCF-style: chrX-101260559-C-T. GRCh37 (hg19) VCF-style: chrX-100515548-C-T.
Other names: c.2578C>T, p.Arg860Cys (NM_001171184.2); short protein forms R860C, R938C.
Identifiers: ClinVar variation 1991265 (VCV001991265.5), dbSNP rs141816203, ClinGen allele CA10472542.
Genomic context (GRCh38, chrX:101,260,559, plus strand): 5'-GATGTGGGGTCAAAGAGCCAGGATGTCAGCCTGTGCTTGGAGGACATCATGGAGAAACTC[C>T]GTCATGCCTTCCCCAGTGTGCGAAGTTCTGATGTGACTGCCAACACCCTGCTGGCCTCTT-3'
Protein context (NP_001930.2, residues 928-948): LCLEDIMEKL[Arg938Cys]HAFPSVRSSD

ClinVar aggregate classification (germline): Uncertain significance. Review status: criteria provided, multiple submitters, no conflicts (2 of 4 stars). 2 submissions from 2 submitters: Uncertain significance (2). Last evaluated 2025-03-17.

Allele frequency attached by ClinVar (database versions not stated): ExAC 0.00006; gnomAD 0.00006; ESP Exome Variant Server 0.00009; TOPMed 0.00009; gnomAD exomes 0.00017.
gnomAD v4.1: 188 of 1,209,293 alleles (0.016%); highest among the groups gnomAD compares: Non-Finnish European, 0.02%; no homozygotes.

Submissions (2):

Ambry Genetics
Classification: Uncertain significance. Last evaluated: 2025-03-17. Review status: criteria provided, single submitter. Criteria: Ambry Variant Classification Scheme 2023. Collection method: clinical testing. Allele origin: germline.

Labcorp Genetics (formerly Invitae), Labcorp
Classification: Uncertain significance. Last evaluated: 2024-09-19. Review status: criteria provided, single submitter. Criteria: Invitae Variant Classification Sherloc (09022015). Collection method: clinical testing. Allele origin: germline.
Comment: This sequence change replaces arginine, which is basic and polar, with cysteine, which is neutral and slightly polar, at codon 938 of the DRP2 protein (p.Arg938Cys). This variant is present in population databases (rs141816203, gnomAD 0.01%). This variant has not been reported in the literature in individuals affected with DRP2-related conditions. ClinVar contains an entry for this variant (Variation ID: 1991265). An algorithm developed to predict the effect of missense changes on protein structure and function (PolyPhen-2) suggests that this variant is likely to be disruptive. Algorithms developed to predict the effect of sequence changes on RNA splicing suggest that this variant may disrupt the consensus splice site. In summary, the available evidence is currently insufficient to determine the role of this variant in disease. Therefore, it has been classified as a Variant of Uncertain Significance.